The following is an entry in ClinVar:

ClinVar aggregate classification (germline): Uncertain significance. Review status: criteria provided, multiple submitters, no conflicts (2 of 4 stars). 2 submissions from 2 submitters: Uncertain significance (2). Last evaluated 2025-12-01.

Conditions:
Cardiovascular phenotype. Identifiers: MedGen CN230736.
Hereditary cancer-predisposing syndrome. Also called: Neoplastic Syndromes, Hereditary; Tumor predisposition; Hereditary neoplastic syndrome; Hereditary Cancer Syndrome. Identifiers: Orphanet 140162, MedGen C0027672, MeSH D009386, MONDO:0015356.
Neurofibromatosis, type 1 (NF1). Also called: NEUROFIBROMATOSIS, TYPE I, SOMATIC; Neurofibromatosis, type I; VON RECKLINGHAUSEN DISEASE; Peripheral type neurofibromatosis. Identifiers: Orphanet 636, MedGen C0027831, MONDO:0018975, OMIM 162200. Disease mechanism: loss of function.

Submissions (2):

Ambry Genetics
Classification: Uncertain significance for Cardiovascular phenotype; Hereditary cancer-predisposing syndrome. Last evaluated: 2025-12-01. Review status: criteria provided, single submitter. Criteria: Ambry Variant Classification Scheme 2023. Collection method: clinical testing. Allele origin: germline.
Comment: The p.I2644M variant (also known as c.7932C>G), located in coding exon 54 of the NF1 gene, results from a C to G substitution at nucleotide position 7932. The isoleucine at codon 2644 is replaced by methionine, an amino acid with highly similar properties. This amino acid position is highly conserved in available vertebrate species. In addition, the in silico prediction for this alteration is inconclusive. Since supporting evidence is limited at this time, the clinical significance of this alteration remains unclear.

Labcorp Genetics (formerly Invitae), Labcorp
Classification: Uncertain significance for Neurofibromatosis, type 1. Last evaluated: 2021-08-30. Review status: criteria provided, single submitter. Criteria: Invitae Variant Classification Sherloc (09022015). Collection method: clinical testing. Allele origin: germline.
Comment: In summary, the available evidence is currently insufficient to determine the role of this variant in disease. Therefore, it has been classified as a Variant of Uncertain Significance. Advanced modeling of protein sequence and biophysical properties (such as structural, functional, and spatial information, amino acid conservation, physicochemical variation, residue mobility, and thermodynamic stability) performed at Invitae indicates that this missense variant is not expected to disrupt NF1 protein function. This variant has not been reported in the literature in individuals affected with NF1-related conditions. This variant is not present in population databases (ExAC no frequency). This sequence change replaces isoleucine with methionine at codon 2644 of the NF1 protein (p.Ile2644Met). The isoleucine residue is moderately conserved and there is a small physicochemical difference between isoleucine and methionine.

NM_001042492.3(NF1):c.7995C>G (p.Ile2665Met)

Gene: NF1 (neurofibromin 1; plus strand). Cytogenetic location: 17q11.2.
Variant type: single nucleotide variant.
Coding change: c.7995C>G on transcript NM_001042492.3 (MANE Select); coding-DNA position 7995, C replaced by G.
Protein change: p.Ile2665Met; replaces isoleucine 2665 with methionine.
Molecular consequence: missense variant.
Genome position (GRCh38, 1-based): chr17:31,358,504, C>G. VCF-style: chr17-31358504-C-G. GRCh37 (hg19) VCF-style: chr17-29685522-C-G.
Other names: c.7932C>G, p.Ile2644Met (NM_000267.4); short protein forms I2644M, I2665M.
Identifiers: ClinVar variation 1487304 (VCV001487304.8), dbSNP rs1037082087, ClinGen allele CA399203637.